The following is an entry in ClinVar:

NM_000245.4(MET):c.1008C>G (p.Ser336Arg)

Gene: MET (MET proto-oncogene, receptor tyrosine kinase; plus strand). Cytogenetic location: 7q31.2.
Variant type: single nucleotide variant.
Coding change: c.1008C>G on transcript NM_000245.4 (MANE Select); coding-DNA position 1008, C replaced by G.
Protein change: p.Ser336Arg; replaces serine 336 with arginine.
Molecular consequence: missense variant. On other transcripts: intron variant (1).
Genome position (GRCh38, 1-based): chr7:116,700,092, C>G. VCF-style: chr7-116700092-C-G. GRCh37 (hg19) VCF-style: chr7-116340146-C-G.
Other names: c.1008C>G, p.Ser336Arg (NM_001127500.3, NM_001324401.3); c.-91+27515C>G (NM_001324402.2); short protein forms S336R.
Identifiers: ClinVar variation 818256 (VCV000818256.9), dbSNP rs1584878137, ClinGen allele CA368970340.

ClinVar aggregate classification (germline): Conflicting classifications of pathogenicity. Review status: criteria provided, conflicting classifications (1 of 4 stars). 3 submissions from 3 submitters: Uncertain significance (2); Likely benign (1). Last evaluated 2025-12-22.

Conditions:
Hereditary cancer-predisposing syndrome. Also called: Tumor predisposition; Hereditary neoplastic syndrome; Neoplastic Syndromes, Hereditary; Hereditary Cancer Syndrome. Identifiers: Orphanet 140162, MedGen C0027672, MeSH D009386, MONDO:0015356.
Renal cell carcinoma. Identifiers: Orphanet 217071, MedGen C0007134, MeSH D002292, MONDO:0005086, HP:0005584.
Autosomal recessive nonsyndromic hearing loss 97. Also called: Deafness, autosomal recessive 97. Identifiers: Orphanet 90636, MedGen C4084709, MONDO:0014739, OMIM 616705.

gnomAD v4.1: 2 of 1,611,120 alleles (0.00012%); highest among the groups gnomAD compares: Non-Finnish European, 0.00017%; no homozygotes.

Submissions (3):

Labcorp Genetics (formerly Invitae), Labcorp
Classification: Uncertain significance for Renal cell carcinoma. Last evaluated: 2025-12-22. Review status: criteria provided, single submitter. Criteria: Invitae Variant Classification Sherloc (09022015). Collection method: clinical testing. Allele origin: germline.
Comment: This sequence change replaces serine, which is neutral and polar, with arginine, which is basic and polar, at codon 336 of the MET protein (p.Ser336Arg). This variant is not present in population databases (gnomAD no frequency). This variant has not been reported in the literature in individuals affected with MET-related conditions. ClinVar contains an entry for this variant (Variation ID: 818256). Invitae Evidence Modeling of protein sequence and biophysical properties (such as structural, functional, and spatial information, amino acid conservation, physicochemical variation, residue mobility, and thermodynamic stability) indicates that this missense variant is not expected to disrupt MET protein function with a negative predictive value of 80%. In summary, the available evidence is currently insufficient to determine the role of this variant in disease. Therefore, it has been classified as a Variant of Uncertain Significance.

Ambry Genetics
Classification: Likely benign for Hereditary cancer-predisposing syndrome. Last evaluated: 2025-01-28. Review status: criteria provided, single submitter. Criteria: Ambry Variant Classification Scheme 2023. Collection method: clinical testing. Allele origin: germline.

Baylor Genetics
Classification: Uncertain significance for Autosomal recessive nonsyndromic hearing loss 97. Last evaluated: 2023-05-26. Review status: criteria provided, single submitter. Criteria: ACMG Guidelines, 2015. Collection method: clinical testing. Allele origin: unknown.